The following is an entry in ClinVar:

ClinVar aggregate classification (germline): Benign (1 of 4 stars; one submission).

Allele frequency attached by ClinVar (database versions not stated): 1000 Genomes Project 30x 0.75547; 1000 Genomes Project 0.75719; TOPMed 0.81396; gnomAD 0.82023.
gnomAD v4.1: 124,585 of 152,064 alleles (82%); highest among the groups gnomAD compares: Non-Finnish European, 89%; 51,642 homozygotes.

Submission:

GeneDx
Classification: Benign. Last evaluated: 2018-06-19. Review status: criteria provided, single submitter. Criteria: GeneDx Variant Classification (06012015). Collection method: clinical testing. Allele origin: germline. Affected: yes.
Comment: This variant is considered likely benign or benign based on one or more of the following criteria: it is a conservative change, it occurs at a poorly conserved position in the protein, it is predicted to be benign by multiple in silico algorithms, and/or has population frequency not consistent with disease.

NM_001103.4(ACTN2):c.2367+301C>A

Gene: ACTN2 (actinin alpha 2; plus strand). Cytogenetic location: 1q43.
Variant type: single nucleotide variant.
Coding change: c.2367+301C>A on transcript NM_001103.4 (MANE Select); 301 bases into the intron after coding-DNA position 2367, C replaced by A.
Molecular consequence: intron variant.
Genome position (GRCh38, 1-based): chr1:236,760,090, C>A. VCF-style: chr1-236760090-C-A. GRCh37 (hg19) VCF-style: chr1-236923390-C-A.
Other names: c.1743+301C>A (NM_001278344.2); c.2367+301C>A (NM_001278343.2).
Identifiers: ClinVar variation 682682 (VCV000682682.1), dbSNP rs4348712, ClinGen allele CA16083372.
Genomic context (GRCh38, chr1:236,760,090, plus strand): 5'-GAGGTCAGGGGTTTGAGACCAGCCTAACCAATATGGTGAAACCTCTTCTCTACTAAAAAT[C>A]CAAAAATTAGCCAGCTGTGGTGGCGGGCACCTGTAGTCCCAGCTACTTGGGAGGTTGAGG-3'